The following is an entry in ClinVar:

NM_001754.5(RUNX1):c.*1295G>A

Gene: RUNX1 (RUNX family transcription factor 1; minus strand). Cytogenetic location: 21q22.12.
Variant type: single nucleotide variant.
Coding change: c.*1295G>A on transcript NM_001754.5 (MANE Select); 1295 bases downstream of the stop codon, G replaced by A.
Molecular consequence: 3 prime UTR variant.
Genome position (GRCh38, 1-based): chr21:34,790,840, C>T on the plus strand (G>A on the coding strand, the complement: RUNX1 is on the minus strand). VCF-style: chr21-34790840-C-T. GRCh37 (hg19) VCF-style: chr21-36163137-C-T.
Other names: c.*1295G>A (NM_001001890.3).
Identifiers: ClinVar variation 339847 (VCV000339847.6), dbSNP rs866560376, ClinGen allele CA10653566.

ClinVar aggregate classification (germline): Uncertain significance. Review status: reviewed by expert panel (3 of 4 stars). 2 submissions from 2 submitters: Uncertain significance (1). 1 of the submissions does not count toward it. Last evaluated 2024-11-13.

Conditions:
Hereditary thrombocytopenia and hematologic cancer predisposition syndrome. Identifiers: Orphanet 71290, MedGen CN281654, MONDO:0011071.
Hereditary thrombocytopenia and hematological cancer predisposition syndrome associated with RUNX1. Also called: PLATELET DISORDER, ASPIRIN-LIKE; RUNX1 Familial Platelet Disorder with Associated Myeloid Malignancies; Familial Platelet Disorder with Propensity to Acute Myelogenous Leukemia; Familial thrombocytopenia with propensity to acute myelogenous leukemia. Identifiers: Orphanet 71290, MedGen C1832388, MeSH C563324, MONDO:0100083, OMIM 601399.

Allele frequency attached by ClinVar (database versions not stated): TOPMed 0.00014.
gnomAD v4.1: 46 of 233,244 alleles (0.02%); highest among the groups gnomAD compares: Non-Finnish European, 0.0042%; no homozygotes.

Submissions (2):

ClinGen Myeloid Malignancy Variant Curation Expert Panel
Classification: Uncertain significance for Hereditary thrombocytopenia and hematologic cancer predisposition syndrome. Last evaluated: 2024-11-13. Review status: reviewed by expert panel. Criteria: ClinGen MyeloMalig ACMG Specifications v2. Collection method: curation. Allele origin: germline. Inheritance: Autosomal dominant inheritance.
Comment: NM_001754.5(RUNX1):c.*1295G>A is a 3' UTR variant which does not meet any ACMG/AMP criteria. In summary, the clinical significance of this variant is uncertain. ACMG/AMP criteria applied, as specified by the Myeloid Malignancy Variant Curation Expert Panel for RUNX1: None.

Illumina Laboratory Services, Illumina
Classification: Uncertain significance for Hereditary thrombocytopenia and hematological cancer predisposition syndrome associated with RUNX1. Last evaluated: 2018-01-12. Review status: criteria provided, single submitter. Criteria: ICSL Variant Classification Criteria 13 December 2019. Collection method: clinical testing. Allele origin: germline. Not counted in ClinVar's aggregate classification.